The following is an entry in ClinVar:

NM_000391.4(TPP1):c.1574C>T (p.Ser525Phe)

Gene: TPP1 (tripeptidyl peptidase 1; minus strand). Cytogenetic location: 11p15.4.
Variant type: single nucleotide variant.
Coding change: c.1574C>T on transcript NM_000391.4 (MANE Select); coding-DNA position 1574, C replaced by T.
Protein change: p.Ser525Phe; replaces serine 525 with phenylalanine.
Molecular consequence: missense variant.
Genome position (GRCh38, 1-based): chr11:6,614,664, G>A on the plus strand (C>T on the coding strand, the complement: TPP1 is on the minus strand). VCF-style: chr11-6614664-G-A. GRCh37 (hg19) VCF-style: chr11-6635895-G-A.
Other names: c.1574C>T (NM_000391.3); short protein forms S525F.
Identifiers: ClinVar variation 1358324 (VCV001358324.4), dbSNP rs2134590496, ClinGen allele CA379472181.

ClinVar aggregate classification (germline): Uncertain significance. Review status: criteria provided, single submitter (1 of 4 stars). 2 submissions from 2 submitters: Uncertain significance (1). 1 of the submissions does not count toward it. Last evaluated 2021-09-08.

Conditions:
Neuronal ceroid lipofuscinosis 2. Also called: TPP1-Related Neuronal Ceroid-Lipofuscinosis; JANSKY-BIELSCHOWSKY DISEASE NEURONAL CEROID LIPOFUSCINOSIS, LATE INFANTILE. Identifiers: Orphanet 168491, Orphanet 228349, Orphanet 79264, MedGen C1876161, MONDO:0008769, OMIM 204500.

Submissions (2):

Labcorp Genetics (formerly Invitae), Labcorp
Classification: Uncertain significance. Last evaluated: 2021-09-08. Review status: criteria provided, single submitter. Criteria: Invitae Variant Classification Sherloc (09022015). Collection method: clinical testing. Allele origin: germline.
Comment: This sequence change replaces serine with phenylalanine at codon 525 of the TPP1 protein (p.Ser525Phe). The serine residue is highly conserved and there is a large physicochemical difference between serine and phenylalanine. This variant is not present in population databases (ExAC no frequency). This variant has not been reported in the literature in individuals affected with TPP1-related conditions. Algorithms developed to predict the effect of missense changes on protein structure and function are either unavailable or do not agree on the potential impact of this missense change (SIFT: "Deleterious"; PolyPhen-2: "Benign"; Align-GVGD: "Class C15"). In summary, the available evidence is currently insufficient to determine the role of this variant in disease. Therefore, it has been classified as a Variant of Uncertain Significance.

Natera, Inc.
Classification: Uncertain significance for Neuronal ceroid lipofuscinosis 2. Last evaluated: 2025-05-22. Review status: no assertion criteria provided. Collection method: clinical testing. Allele origin: germline. Not counted in ClinVar's aggregate classification.